The following is an entry in ClinVar:

NM_020738.4(KIDINS220):c.3048G>A (p.Glu1016=)

Gene: KIDINS220 (kinase D interacting substrate 220; minus strand). Cytogenetic location: 2p25.1.
Variant type: single nucleotide variant.
Coding change: c.3048G>A on transcript NM_020738.4 (MANE Select); coding-DNA position 3048, G replaced by A.
Protein change: p.Glu1016=; no amino-acid change (glutamic acid 1016 retained).
Molecular consequence: synonymous variant. On other transcripts: non-coding transcript variant (2).
Genome position (GRCh38, 1-based): chr2:8,751,608, C>T on the plus strand (G>A on the coding strand, the complement: KIDINS220 is on the minus strand). VCF-style: chr2-8751608-C-T. GRCh37 (hg19) VCF-style: chr2-8891738-C-T.
Other names: c.3051G>A, p.Glu1017= (NM_001348729.2, NM_001348731.2, NM_001348734.2 and 2 more transcripts); c.3048G>A, p.Glu1016= (NM_001348732.2, NM_001348735.2, NM_001348738.2 and 3 more transcripts); c.2922G>A, p.Glu974= (NM_001348736.2).
Identifiers: ClinVar variation 3030382 (VCV003030382.4), dbSNP rs1254247154, ClinGen allele CA424779511.
Genomic context (GRCh38, chr2:8,751,608, plus strand): 5'-GGTCCTTGAAGACAAAAACACTTCAAAATTTCTTATATCTCCATCAATTTCAAGAAGTGG[C>T]TCAACATCCTTAGTTGTTGGAATATTCTTTGATATTCTTCAAATAAGAAATCAATGAAAA-3'
Protein context (NP_065789.1, residues 1006-1026): SKNIPTTKDV[Glu1016=]PLLEIDGDIR

ClinVar aggregate classification (germline): Likely benign. Review status: criteria provided, multiple submitters, no conflicts (2 of 4 stars). 3 submissions from 3 submitters: Likely benign (2). 1 of the submissions does not count toward it. Last evaluated 2025-12-31.

Conditions:
KIDINS220-related disorder. Also called: KIDINS220-related condition.
Inborn genetic diseases. Identifiers: MedGen C0950123, MeSH D030342.

Allele frequency attached by ClinVar (database versions not stated): TOPMed below 0.00001; gnomAD exomes 0.00001.
gnomAD v4.1: 12 of 1,606,778 alleles (0.00075%); highest among the groups gnomAD compares: Admixed American, 0.0034%; no homozygotes.

Submissions (3):

Ambry Genetics
Classification: Likely benign for Inborn genetic diseases. Last evaluated: 2025-12-31. Review status: criteria provided, single submitter. Criteria: Ambry Variant Classification Scheme 2023. Collection method: clinical testing. Allele origin: germline.

Labcorp Genetics (formerly Invitae), Labcorp
Classification: Likely benign. Last evaluated: 2025-03-04. Review status: criteria provided, single submitter. Criteria: Invitae Variant Classification Sherloc (09022015). Collection method: clinical testing. Allele origin: germline.

PreventionGenetics, part of Exact Sciences
Classification: Likely benign for KIDINS220-related condition. Last evaluated: 2022-08-26. Review status: no assertion criteria provided. Collection method: clinical testing. Allele origin: germline. Not counted in ClinVar's aggregate classification.
Comment: This variant is classified as likely benign based on ACMG/AMP sequence variant interpretation guidelines (Richards et al. 2015 PMID: 25741868, with internal and published modifications).